The following is an entry in ClinVar:

NM_003072.5(SMARCA4):c.3390G>A (p.Thr1130=)

Gene: SMARCA4 (SWI/SNF related BAF chromatin remodeling complex subunit ATPase 4; plus strand). Cytogenetic location: 19p13.2.
Variant type: single nucleotide variant.
Coding change: c.3390G>A on transcript NM_003072.5 (MANE Select); coding-DNA position 3390, G replaced by A.
Protein change: p.Thr1130=; no amino-acid change (threonine 1130 retained).
Molecular consequence: synonymous variant. On other transcripts: non-coding transcript variant (1).
Genome position (GRCh38, 1-based): chr19:11,030,737, G>A. VCF-style: chr19-11030737-G-A. GRCh37 (hg19) VCF-style: chr19-11141413-G-A.
Other names: c.3390G>A, p.Thr1130= (NM_001128844.3, NM_001128845.2, NM_001128846.2 and 4 more transcripts).
Identifiers: ClinVar variation 772071 (VCV000772071.20), dbSNP rs763248514, ClinGen allele CA9204419.

ClinVar aggregate classification (germline): Benign/Likely benign. Review status: criteria provided, multiple submitters, no conflicts (2 of 4 stars). 5 submissions from 5 submitters: Benign (1); Likely benign (3). 1 of the submissions does not count toward it. Last evaluated 2026-07-14.

Conditions:
SMARCA4-related disorder. Also called: SMARCA4-related condition.
Hereditary cancer-predisposing syndrome. Also called: Hereditary neoplastic syndrome; Neoplastic Syndromes, Hereditary; Tumor predisposition; Hereditary Cancer Syndrome. Identifiers: Orphanet 140162, MedGen C0027672, MeSH D009386, MONDO:0015356.
Rhabdoid tumor predisposition syndrome 2 (RTPS2). Identifiers: Orphanet 231108, Orphanet 69077, MedGen C2750074, MONDO:0013224, OMIM 613325.

Allele frequency attached by ClinVar (database versions not stated): ExAC 0.00002; TOPMed 0.00003; gnomAD exomes 0.00001 and 0.00003.
gnomAD v4.1: 13 of 1,611,472 alleles (0.00081%); highest among the groups gnomAD compares: Admixed American, 0.015%; no homozygotes.

Submissions (5):

Myriad Genetics, Inc.
Classification: Benign for Rhabdoid tumor predisposition syndrome 2. Last evaluated: 2026-07-14. Review status: criteria provided, single submitter. Criteria: Myriad Autosomal Dominant, Autosomal Recessive and X-Linked Classification Criteria (2023). Collection method: clinical testing. Allele origin: unknown.
Comment: This variant is considered benign. This variant is a silent/synonymous amino acid change and it is not expected to impact splicing.

Labcorp Genetics (formerly Invitae), Labcorp
Classification: Likely benign for Rhabdoid tumor predisposition syndrome 2. Last evaluated: 2026-02-02. Review status: criteria provided, single submitter. Criteria: Invitae Variant Classification Sherloc (09022015). Collection method: clinical testing. Allele origin: germline.

GeneDx
Classification: Likely benign. Last evaluated: 2021-06-03. Review status: criteria provided, single submitter. Criteria: GeneDx Variant Classification Process June 2021. Collection method: clinical testing. Allele origin: germline. Affected: yes.

Ambry Genetics
Classification: Likely benign for Hereditary cancer-predisposing syndrome. Last evaluated: 2017-12-28. Review status: criteria provided, single submitter. Criteria: Ambry Variant Classification Scheme 2023. Collection method: clinical testing. Allele origin: germline.

PreventionGenetics, part of Exact Sciences
Classification: Likely benign for SMARCA4-related condition. Last evaluated: 2024-02-13. Review status: no assertion criteria provided. Collection method: clinical testing. Allele origin: germline. Not counted in ClinVar's aggregate classification.
Comment: This variant is classified as likely benign based on ACMG/AMP sequence variant interpretation guidelines (Richards et al. 2015 PMID: 25741868, with internal and published modifications).